The following is an entry in ClinVar:

ClinVar aggregate classification (germline): Uncertain significance. Review status: criteria provided, multiple submitters, no conflicts (2 of 4 stars). 2 submissions from 2 submitters: Uncertain significance (2). Last evaluated 2025-05-23.

gnomAD v4.1: 76 of 1,614,210 alleles (0.0047%); highest among the groups gnomAD compares: Middle Eastern, 0.082%; 1 homozygote.

Submissions (2):

Ambry Genetics
Classification: Uncertain significance. Last evaluated: 2025-05-23. Review status: criteria provided, single submitter. Criteria: Ambry Variant Classification Scheme 2023. Collection method: clinical testing. Allele origin: germline.

GeneDx
Classification: Uncertain significance. Last evaluated: 2024-03-18. Review status: criteria provided, single submitter. Criteria: GeneDx Variant Classification Process June 2021. Collection method: clinical testing. Allele origin: germline. Affected: yes.
Comment: In silico analysis supports that this missense variant has a deleterious effect on protein structure/function; Has not been previously published as pathogenic or benign to our knowledge

NM_138572.3(TAF8):c.575G>A (p.Arg192His)

Gene: TAF8 (TATA-box binding protein associated factor 8; plus strand). Cytogenetic location: 6p21.1.
Variant type: single nucleotide variant.
Coding change: c.575G>A on transcript NM_138572.3 (MANE Select); coding-DNA position 575, G replaced by A.
Protein change: p.Arg192His; replaces arginine 192 with histidine.
Molecular consequence: missense variant.
Genome position (GRCh38, 1-based): chr6:42,066,397, G>A. VCF-style: chr6-42066397-G-A. GRCh37 (hg19) VCF-style: chr6-42034135-G-A.
Other names: c.575G>A, p.Arg192His (NM_001410906.1, NM_001410907.1); short protein forms R192H.
Identifiers: ClinVar variation 3370988 (VCV003370988.2).